The following is an entry in ClinVar:

ClinVar aggregate classification (germline): Uncertain significance (1 of 4 stars; one submission).

Submission:

Athena Diagnostics
Classification: Uncertain significance. Last evaluated: 2024-10-09. Review status: criteria provided, single submitter. Criteria: Athena Diagnostics Criteria. Collection method: clinical testing. Allele origin: unknown.
Comment: Available data are insufficient to determine the clinical significance of the variant at this time. This variant has not been reported in large, multi-ethnic general populations. Polyphen and MutationTaster yielded discordant predictions regarding whether this amino acid change is damaging to the protein.

NM_182961.4(SYNE1):c.10298A>G (p.Lys3433Arg)

Gene: SYNE1 (spectrin repeat containing nuclear envelope protein 1; minus strand). Cytogenetic location: 6q25.2.
Variant type: single nucleotide variant.
Coding change: c.10298A>G on transcript NM_182961.4 (MANE Select); coding-DNA position 10298, A replaced by G.
Protein change: p.Lys3433Arg; replaces lysine 3433 with arginine.
Molecular consequence: missense variant.
Genome position (GRCh38, 1-based): chr6:152,362,171, T>C on the plus strand (A>G on the coding strand, the complement: SYNE1 is on the minus strand). VCF-style: chr6-152362171-T-C. GRCh37 (hg19) VCF-style: chr6-152683306-T-C.
Other names: c.10319A>G, p.Lys3440Arg (NM_033071.5); short protein forms K3440R, K3433R.
Identifiers: ClinVar variation 3571686 (VCV003571686.1).
Genomic context (GRCh38, chr6:152,362,171, plus strand): 5'-CTGTGGCATTCTAAAGAAGCCTGTGAGAAAACACATGGAATCTGAAATCCAGCTCTCACC[T>C]TGGCTTTTCCGAGCATCGTTGTTTTATCCCGCAGCTCCGCATGCTGCCTTTCTGATTCAT-3'
Protein context (NP_892006.3, residues 3423-3443): RDKTTMLGKA[Lys3433Arg]LLNEEVLSYS